The following is an entry in ClinVar:

NM_004958.4(MTOR):c.6401G>C (p.Arg2134Pro)

Gene: MTOR (mechanistic target of rapamycin kinase; minus strand). Cytogenetic location: 1p36.22.
Variant type: single nucleotide variant.
Coding change: c.6401G>C on transcript NM_004958.4 (MANE Select); coding-DNA position 6401, G replaced by C.
Protein change: p.Arg2134Pro; replaces arginine 2134 with proline.
Molecular consequence: missense variant.
Genome position (GRCh38, 1-based): chr1:11,126,747, C>G on the plus strand (G>C on the coding strand, the complement: MTOR is on the minus strand). VCF-style: chr1-11126747-C-G. GRCh37 (hg19) VCF-style: chr1-11186804-C-G.
Other names: c.6401G>C, p.Arg2134Pro (NM_001386500.1); c.5153G>C, p.Arg1718Pro (NM_001386501.1); short protein forms R2134P, R1718P.
Identifiers: ClinVar variation 2230932 (VCV002230932.2), dbSNP rs755115241, ClinGen allele CA338390172.
Genomic context (GRCh38, chr1:11,126,747, plus strand): 5'-TGAATGCGAATGATTGGCTGGTTGGGGTCATATGTTCCTGGCACAGCCAATTCAAGGTCC[C>G]GGCACATCAGAAGTTTTGGGGAAACATATTGCAGCTCTAAGGATGTGAGCTGTAAATAAT-3'
Protein context (NP_004949.1, residues 2124-2144): QYVSPKLLMC[Arg2134Pro]DLELAVPGTY

ClinVar aggregate classification (germline): Uncertain significance (1 of 4 stars; one submission).

Conditions:
Inborn genetic diseases. Identifiers: MedGen C0950123, MeSH D030342.

Submission:

Ambry Genetics
Classification: Uncertain significance for Inborn genetic diseases. Last evaluated: 2021-06-02. Review status: criteria provided, single submitter. Criteria: Ambry Variant Classification Scheme 2023. Collection method: clinical testing. Allele origin: germline.
Comment: The c.6401G>C (p.R2134P) alteration is located in exon 46 (coding exon 45) of the MTOR gene. This alteration results from a G to C substitution at nucleotide position 6401, causing the arginine (R) at amino acid position 2134 to be replaced by a proline (P). Based on data from the Genome Aggregation Database (gnomAD), the MTOR c.6401G>C alteration was not observed, with coverage at this position. This amino acid position is highly conserved in available vertebrate species. The p.R2134P alteration is predicted to be deleterious by in silico analysis. Based on insufficient or conflicting evidence, the clinical significance of this alteration remains unclear.